The following is an entry in ClinVar:

ClinVar aggregate classification (germline): Benign/Likely benign. Review status: criteria provided, multiple submitters, no conflicts (2 of 4 stars). 3 submissions from 3 submitters: Benign (1); Likely benign (1). 1 of the submissions does not count toward it. Last evaluated 2025-10-18.

Conditions:
ATP6AP1-related disorder. Also called: ATP6AP1-related condition; ATP6AP1-related disorders.

Allele frequency attached by ClinVar (database versions not stated): ExAC 0.00019; gnomAD 0.00020 and 0.00022; gnomAD exomes 0.00021 and 0.00033; TOPMed 0.00029; ESP Exome Variant Server 0.00038; 1000 Genomes Project 30x 0.00042; 1000 Genomes Project 0.00053.
gnomAD v4.1: 385 of 1,210,135 alleles (0.032%); highest among the groups gnomAD compares: Non-Finnish European, 0.041%; no homozygotes.

Submissions (3):

Labcorp Genetics (formerly Invitae), Labcorp
Classification: Benign. Last evaluated: 2025-10-18. Review status: criteria provided, single submitter. Criteria: Invitae Variant Classification Sherloc (09022015). Collection method: clinical testing. Allele origin: germline.

CeGaT Center for Human Genetics Tuebingen
Classification: Likely benign. Last evaluated: 2023-02-01. Review status: criteria provided, single submitter. Criteria: CeGaT Center For Human Genetics Tuebingen Variant Classification Criteria Version 2. Collection method: clinical testing. Allele origin: germline. Affected: yes. Observed: 1 variant allele.
Comment: ATP6AP1: BS2

PreventionGenetics, part of Exact Sciences
Classification: Likely benign for ATP6AP1-related condition. Last evaluated: 2020-01-03. Review status: no assertion criteria provided. Collection method: clinical testing. Allele origin: germline. Not counted in ClinVar's aggregate classification.
Comment: This variant is classified as likely benign based on ACMG/AMP sequence variant interpretation guidelines (Richards et al. 2015 PMID: 25741868, with internal and published modifications).

NM_001183.6(ATP6AP1):c.165C>G (p.Asp55Glu)

Gene: ATP6AP1 (ATPase H+ transporting accessory protein 1; plus strand). Cytogenetic location: Xq28.
Variant type: single nucleotide variant.
Coding change: c.165C>G on transcript NM_001183.6 (MANE Select); coding-DNA position 165, C replaced by G.
Protein change: p.Asp55Glu; replaces aspartic acid 55 with glutamic acid.
Molecular consequence: missense variant.
Genome position (GRCh38, 1-based): chrX:154,429,051, C>G. VCF-style: chrX-154429051-C-G. GRCh37 (hg19) VCF-style: chrX-153657397-C-G.
Other names: c.165C>G (NM_001183.5); short protein forms D55E.
Identifiers: ClinVar variation 1598200 (VCV001598200.33), dbSNP rs147496008, ClinGen allele CA10562523.